The following is an entry in ClinVar:

NM_022336.4(EDAR):c.212G>A (p.Cys71Tyr)

Genes: EDAR (ectodysplasin A receptor; minus strand), RANBP2 (RAN binding protein 2; plus strand). Cytogenetic location: 2q13.
Variant type: single nucleotide variant.
Coding change: c.212G>A on transcript NM_022336.4 (MANE Select); coding-DNA position 212, G replaced by A.
Protein change: p.Cys71Tyr; replaces cysteine 71 with tyrosine.
Molecular consequence: missense variant.
Genome position (GRCh38, 1-based): chr2:108,929,342, C>T on the plus strand (G>A on the coding strand, the complement: EDAR is on the minus strand). VCF-style: chr2-108929342-C-T. GRCh37 (hg19) VCF-style: chr2-109545798-C-T.
Other names: short protein forms C71Y.
Identifiers: ClinVar variation 265113 (VCV000265113.5), dbSNP rs777022647, ClinGen allele CA1825152.

ClinVar aggregate classification (germline): Pathogenic (1 of 4 stars; one submission).

Allele frequency attached by ClinVar (database versions not stated): gnomAD exomes below 0.00001 and 0.00001; ExAC 0.00002.
gnomAD v4.1: 2 of 1,614,168 alleles (0.00012%); highest among the groups gnomAD compares: Admixed American, 0.0033%; no homozygotes.

Submission:

GeneDx
Classification: Pathogenic. Last evaluated: 2022-04-18. Review status: criteria provided, single submitter. Criteria: GeneDx Variant Classification Process June 2021. Collection method: clinical testing. Allele origin: germline. Affected: yes.
Comment: Missense variants in this gene are often considered pathogenic (HGMD); In silico analysis supports that this missense variant has a deleterious effect on protein structure/function; This variant is associated with the following publications: (PMID: 20033817, 22032522, 26273176)